The following is an entry in ClinVar:

NM_025074.7(FRAS1):c.10724T>C (p.Ile3575Thr)

Gene: FRAS1 (Fraser extracellular matrix complex subunit 1; plus strand). Cytogenetic location: 4q21.21.
Variant type: single nucleotide variant.
Coding change: c.10724T>C on transcript NM_025074.7 (MANE Select); coding-DNA position 10724, T replaced by C.
Protein change: p.Ile3575Thr; replaces isoleucine 3575 with threonine.
Molecular consequence: missense variant.
Genome position (GRCh38, 1-based): chr4:78,522,724, T>C. VCF-style: chr4-78522724-T-C. GRCh37 (hg19) VCF-style: chr4-79443878-T-C.
Other names: short protein forms I3575T.
Identifiers: ClinVar variation 906645 (VCV000906645.9), dbSNP rs202198985, ClinGen allele CA2979058.

ClinVar aggregate classification (germline): Uncertain significance. Review status: criteria provided, multiple submitters, no conflicts (2 of 4 stars). 5 submissions from 5 submitters: Uncertain significance (5). Last evaluated 2025-11-26.

Conditions:
Inborn genetic diseases. Identifiers: MedGen C0950123, MeSH D030342.
Fraser syndrome 1 (FRASRS1). Also called: CRYPTOPHTHALMOS WITH OTHER MALFORMATIONS. Identifiers: Orphanet 2052, MedGen C4551480, MONDO:0054737, OMIM 219000.

Allele frequency attached by ClinVar (database versions not stated): ExAC 0.00014; gnomAD exomes 0.00014 and 0.00043; gnomAD 0.00021; TOPMed 0.00028; ESP Exome Variant Server 0.00034.
gnomAD v4.1: 680 of 1,612,088 alleles (0.042%); highest among the groups gnomAD compares: Non-Finnish European, 0.054%; 1 homozygote.

Submissions (5):

Ambry Genetics
Classification: Uncertain significance for Inborn genetic diseases. Last evaluated: 2025-11-26. Review status: criteria provided, single submitter. Criteria: Ambry Variant Classification Scheme 2023. Collection method: clinical testing. Allele origin: germline.

Revvity Omics, Revvity
Classification: Uncertain significance for Fraser syndrome 1. Last evaluated: 2025-03-07. Review status: criteria provided, single submitter. Criteria: ACMG Guidelines, 2015. Collection method: clinical testing. Allele origin: germline.

Fulgent Genetics
Classification: Uncertain significance for Fraser syndrome 1. Last evaluated: 2024-03-22. Review status: criteria provided, single submitter. Criteria: ACMG Guidelines, 2015. Collection method: clinical testing. Allele origin: germline.

Labcorp Genetics (formerly Invitae), Labcorp
Classification: Uncertain significance. Last evaluated: 2022-07-22. Review status: criteria provided, single submitter. Criteria: Invitae Variant Classification Sherloc (09022015). Collection method: clinical testing. Allele origin: germline.
Comment: This sequence change replaces isoleucine, which is neutral and non-polar, with threonine, which is neutral and polar, at codon 3575 of the FRAS1 protein (p.Ile3575Thr). This variant is present in population databases (rs202198985, gnomAD 0.03%). This variant has not been reported in the literature in individuals affected with FRAS1-related conditions. ClinVar contains an entry for this variant (Variation ID: 906645). Algorithms developed to predict the effect of missense changes on protein structure and function (SIFT, PolyPhen-2, Align-GVGD) all suggest that this variant is likely to be disruptive. In summary, the available evidence is currently insufficient to determine the role of this variant in disease. Therefore, it has been classified as a Variant of Uncertain Significance.

Illumina Laboratory Services, Illumina
Classification: Uncertain significance for Fraser syndrome 1. Last evaluated: 2018-01-13. Review status: criteria provided, single submitter. Criteria: ICSL Variant Classification Criteria 13 December 2019. Collection method: clinical testing. Allele origin: germline.